The following is an entry in ClinVar:

NM_012281.3(KCND2):c.272_281del (p.Ile91fs)

Gene: KCND2 (potassium voltage-gated channel subfamily D member 2; plus strand). Cytogenetic location: 7q31.31.
Variant type: Deletion.
Coding change: c.272_281del on transcript NM_012281.3 (MANE Select); coding-DNA positions 272 to 281, 10 bases deleted (TCTTCCGCCA; older notation c.272_281delTCTTCCGCCA).
Protein change: p.Ile91fs; shifts the reading frame from isoleucine 91.
Molecular consequence: frameshift variant.
Genome position (GRCh38, 1-based): chr7:120,274,904-120,274,913, TCTTCCGCCA deleted; deleting any 10 consecutive bases within chr7:120,274,902-120,274,913 gives the same sequence; the c. name uses the placement nearest the transcript's 3' end. VCF-style (leftmost placement, unchanged base first): chr7-120274901-ACATCTTCCGC-A. GRCh37 (hg19) VCF-style: chr7-119914955-ACATCTTCCGC-A.
Other names: short protein forms I91fs.
Identifiers: ClinVar variation 4751454 (VCV004751454.1).

ClinVar aggregate classification (germline): Uncertain significance (1 of 4 stars; one submission).

Conditions:
Early Myoclonic Encephalopathy. Identifiers: MedGen C0270855.

Submission:

Labcorp Genetics (formerly Invitae), Labcorp
Classification: Uncertain significance for Early Myoclonic Encephalopathy. Last evaluated: 2025-08-08. Review status: criteria provided, single submitter. Criteria: Invitae Variant Classification Sherloc (09022015). Collection method: clinical testing. Allele origin: germline.
Comment: This sequence change creates a premature translational stop signal (p.Ile91Thrfs*3) in the KCND2 gene. It is expected to result in an absent or disrupted protein product. However, the current clinical and genetic evidence is not sufficient to establish whether loss-of-function variants in KCND2 cause disease. This variant is present in population databases (no rsID available, gnomAD 0.002%). This variant has not been reported in the literature in individuals affected with KCND2-related conditions. Algorithms developed to predict the effect of sequence changes on RNA splicing suggest that this variant may create or strengthen a splice site. In summary, the available evidence is currently insufficient to determine the role of this variant in disease. Therefore, it has been classified as a Variant of Uncertain Significance.